The following is an entry in ClinVar:

NM_031885.5(BBS2):c.1798-1G>T

Gene: BBS2 (Bardet-Biedl syndrome 2; minus strand). Cytogenetic location: 16q13.
Variant type: single nucleotide variant.
Coding change: c.1798-1G>T on transcript NM_031885.5 (MANE Select); the canonical splice acceptor site of the intron before coding-DNA position 1798, G replaced by T.
Molecular consequence: splice acceptor variant.
Genome position (GRCh38, 1-based): chr16:56,497,080, C>A on the plus strand (G>T on the coding strand, the complement: BBS2 is on the minus strand). VCF-style: chr16-56497080-C-A. GRCh37 (hg19) VCF-style: chr16-56530992-C-A.
Other names: c.1798-1G>T (NM_001377456.1).
Identifiers: ClinVar variation 4816284 (VCV004816284.1).

ClinVar aggregate classification (germline): Likely pathogenic (1 of 4 stars; one submission).

Conditions:
Bardet-Biedl syndrome 2 (BBS2). Identifiers: Orphanet 110, MedGen C2936863, MONDO:0014432, OMIM 615981.

Submission:

Natera, Inc.
Classification: Likely pathogenic for Bardet-Biedl syndrome type 2. Last evaluated: 2025-12-29. Review status: criteria provided, single submitter. Criteria: Natera Variant Classification Schema (03/2026). Collection method: clinical testing. Allele origin: germline.
Comment: The c.1798-1G>T variant in BBS2 is a canonical splice acceptor site variant predicted to affect pre-mRNA splicing, which may result in an abnormal transcript and altered protein product. This variant is expected to result in nonsense mediated decay, truncation, or a dysfunctional protein product. This variant is rare in the general population with a frequency below the threshold expected for the associated phenotype(s). Given the available evidence, this variant is classified as Likely Pathogenic.